The following is an entry in ClinVar:

ClinVar aggregate classification (germline): Uncertain significance (1 of 4 stars; one submission).

Conditions:
Cryopyrin associated periodic syndrome (CAPS). Identifiers: Orphanet 208650, MedGen C2316212, MONDO:0016168.

Submission:

Labcorp Genetics (formerly Invitae), Labcorp
Classification: Uncertain significance for Cryopyrin associated periodic syndrome. Last evaluated: 2024-02-17. Review status: criteria provided, single submitter. Criteria: Invitae Variant Classification Sherloc (09022015). Collection method: clinical testing. Allele origin: germline.
Comment: This sequence change replaces isoleucine, which is neutral and non-polar, with valine, which is neutral and non-polar, at codon 234 of the NLRP3 protein (p.Ile234Val). This variant is not present in population databases (gnomAD no frequency). This variant has not been reported in the literature in individuals affected with NLRP3-related conditions. Advanced modeling of protein sequence and biophysical properties (such as structural, functional, and spatial information, amino acid conservation, physicochemical variation, residue mobility, and thermodynamic stability) has been performed at Invitae for this missense variant, however the output from this modeling did not meet the statistical confidence thresholds required to predict the impact of this variant on NLRP3 protein function. In summary, the available evidence is currently insufficient to determine the role of this variant in disease. Therefore, it has been classified as a Variant of Uncertain Significance.

NM_001243133.2(NLRP3):c.694A>G (p.Ile232Val)

Gene: NLRP3 (NLR family pyrin domain containing 3; plus strand). Cytogenetic location: 1q44.
Variant type: single nucleotide variant.
Coding change: c.694A>G on transcript NM_001243133.2 (MANE Select); coding-DNA position 694, A replaced by G.
Protein change: p.Ile232Val; replaces isoleucine 232 with valine.
Molecular consequence: missense variant.
Genome position (GRCh38, 1-based): chr1:247,424,143, A>G. VCF-style: chr1-247424143-A-G. GRCh37 (hg19) VCF-style: chr1-247587445-A-G.
Other names: c.694A>G, p.Ile232Val (NM_001079821.3, NM_001127461.3, NM_001127462.3 and 1 more transcripts); c.700A>G, p.Ile234Val (NM_004895.5); short protein forms I234V, I232V.
Identifiers: ClinVar variation 3633869 (VCV003633869.2).